The following is an entry in ClinVar:

ClinVar aggregate classification (germline): Conflicting classifications of pathogenicity. Review status: criteria provided, conflicting classifications (1 of 4 stars). 4 submissions from 4 submitters: Uncertain significance (2); Benign (1); Likely benign (1). Last evaluated 2026-03-04.

Conditions:
Tuberous sclerosis syndrome (TSC). Also called: Tuberous sclerosis; Tuberous Sclerosis Complex. Identifiers: Orphanet 805, MedGen C0041341, MONDO:0001734.
Hereditary cancer-predisposing syndrome. Also called: Hereditary Cancer Syndrome; Tumor predisposition; Neoplastic Syndromes, Hereditary; Hereditary neoplastic syndrome. Identifiers: Orphanet 140162, MedGen C0027672, MeSH D009386, MONDO:0015356.
Tuberous sclerosis 1 (TSC1). Identifiers: Orphanet 805, MedGen C1854465, MONDO:0008612, OMIM 191100.

Allele frequency attached by ClinVar (database versions not stated): TOPMed below 0.00001.

Submissions (4):

Ambry Genetics
Classification: Likely benign for Hereditary cancer-predisposing syndrome. Last evaluated: 2026-03-04. Review status: criteria provided, single submitter. Criteria: Ambry Variant Classification Scheme 2023. Collection method: clinical testing. Allele origin: germline.

Labcorp Genetics (formerly Invitae), Labcorp
Classification: Benign for Tuberous sclerosis 1. Last evaluated: 2025-05-12. Review status: criteria provided, single submitter. Criteria: Invitae Variant Classification Sherloc (09022015). Collection method: clinical testing. Allele origin: germline.

All of Us Research Program, National Institutes of Health
Classification: Uncertain significance for Tuberous sclerosis syndrome. Last evaluated: 2024-03-24. Review status: criteria provided, single submitter. Criteria: ACMG Guidelines, 2015. Collection method: clinical testing. Allele origin: germline. Inheritance: Autosomal dominant inheritance. Observed: 1 variant allele, 1 heterozygote.
Comment: This missense variant replaces glutamic acid with lysine at codon 979 of the TSC1 protein. Computational prediction suggests that this variant may not impact protein structure and function (internally defined REVEL score threshold <= 0.5, PMID: 27666373). To our knowledge, functional studies have not been reported for this variant. This variant has not been reported in individuals affected with TSC1-related disorders in the literature. This variant has not been identified in the general population by the Genome Aggregation Database (gnomAD). The available evidence is insufficient to determine the role of this variant in disease conclusively. Therefore, this variant is classified as a Variant of Uncertain Significance.

This study involves interpretation of variants in research participants for the purpose of population health screening. Participant phenotype was not available at the time of variant classification. Additional details can be found in publication PMID: 35346344, PMCID: PMC8962531

Color Diagnostics, LLC DBA Color Health
Classification: Uncertain significance for Tuberous sclerosis syndrome. Last evaluated: 2024-02-14. Review status: criteria provided, single submitter. Criteria: ACMG Guidelines, 2015. Collection method: clinical testing. Allele origin: germline.
Comment: This missense variant replaces glutamic acid with lysine at codon 979 of the TSC1 protein. Computational prediction suggests that this variant may not impact protein structure and function. To our knowledge, functional studies have not been reported for this variant. This variant has not been reported in individuals affected with TSC1-related disorders in the literature. This variant has not been identified in the general population by the Genome Aggregation Database (gnomAD). The available evidence is insufficient to determine the role of this variant in disease conclusively. Therefore, this variant is classified as a Variant of Uncertain Significance.

NM_000368.5(TSC1):c.2935G>A (p.Glu979Lys)

Gene: TSC1 (TSC complex subunit 1; minus strand). Cytogenetic location: 9q34.13.
Variant type: single nucleotide variant.
Coding change: c.2935G>A on transcript NM_000368.5 (MANE Select); coding-DNA position 2935, G replaced by A.
Protein change: p.Glu979Lys; replaces glutamic acid 979 with lysine.
Molecular consequence: missense variant.
Genome position (GRCh38, 1-based): chr9:132,897,224, C>T on the plus strand (G>A on the coding strand, the complement: TSC1 is on the minus strand). VCF-style: chr9-132897224-C-T. GRCh37 (hg19) VCF-style: chr9-135772611-C-T.
Other names: c.2932G>A, p.Glu978Lys (NM_001162426.2); c.2782G>A, p.Glu928Lys (NM_001162427.2); c.2572G>A, p.Glu858Lys (NM_001362177.2); short protein forms E979K, E928K, E978K, E858K.
Identifiers: ClinVar variation 835305 (VCV000835305.13), dbSNP rs1845118974, ClinGen allele CA375368426.
Genomic context (GRCh38, chr9:132,897,224, plus strand): 5'-AATCAGTTCTTTGTTCCTACCTTTCTTCTGCTGCTTCAGCTGCTTCTGCTTTTTCTTCTT[C>T]AAGTTTTTTCAGGAGGCCATCTTTCTCCAACCTGCCATATAAATCTAAGATCTCCAATTC-3'
Protein context (NP_000359.1, residues 969-989): LEKDGLLKKL[Glu979Lys]EEKAEAAEAA